The following is an entry in ClinVar:

ClinVar aggregate classification (germline): Likely pathogenic (1 of 4 stars; one submission).

Conditions:
Pyruvate dehydrogenase phosphatase deficiency (PDHPD). Also called: LACTIC ACIDEMIA WITH PYRUVATE DEHYDROGENASE PHOSPHATASE DEFICIENCY. Identifiers: Orphanet 79246, MedGen C1837429, MONDO:0012120, OMIM 608782.

Submission:

Natera, Inc.
Classification: Likely pathogenic for Pyruvate dehydrogenase phosphatase deficiency. Last evaluated: 2025-07-10. Review status: criteria provided, single submitter. Criteria: Natera Variant Classification Schema (03/2026). Collection method: clinical testing. Allele origin: germline.
Comment: The c.377C>A variant in PDHB is a nonsense variant predicted to introduce a stop codon at amino acid 126. This variant is expected to result in nonsense mediated decay, truncation, or a dysfunctional protein product. This variant is rare in the general population with a frequency below the threshold expected for the associated phenotype(s). Given the available evidence, this variant is classified as Likely Pathogenic.

NM_000925.4(PDHB):c.377C>A (p.Ser126Ter)

Gene: PDHB (pyruvate dehydrogenase E1 subunit beta; minus strand). Cytogenetic location: 3p14.3.
Variant type: single nucleotide variant.
Coding change: c.377C>A on transcript NM_000925.4 (MANE Select); coding-DNA position 377, C replaced by A.
Protein change: p.Ser126Ter; replaces serine 126 with a stop codon.
Molecular consequence: nonsense. On other transcripts: non-coding transcript variant (1).
Genome position (GRCh38, 1-based): chr3:58,430,869, G>T on the plus strand (C>A on the coding strand, the complement: PDHB is on the minus strand). VCF-style: chr3-58430869-G-T. GRCh37 (hg19) VCF-style: chr3-58416596-G-T.
Other names: c.377C>A, p.Ser126Ter (NM_001173468.2); c.323C>A, p.Ser108Ter (NM_001315536.2); short protein forms S108*, S126*.
Identifiers: ClinVar variation 4814481 (VCV004814481.1).